The following is an entry in ClinVar:

ClinVar aggregate classification (germline): Pathogenic. Review status: criteria provided, multiple submitters, no conflicts (2 of 4 stars). 2 submissions from 2 submitters: Pathogenic (2). Last evaluated 2022-11-01.

Conditions:
Familial adenomatous polyposis 1 (FAP1). Also called: FAMILIAL ADENOMATOUS POLYPOSIS 1, ATTENUATED; POLYPOSIS, ADENOMATOUS INTESTINAL. Identifiers: MedGen C2713442, MONDO:0021056, OMIM 175100. Disease mechanism: loss of function.

Submissions (2):

CeGaT Center for Human Genetics Tuebingen
Classification: Pathogenic. Last evaluated: 2022-11-01. Review status: criteria provided, single submitter. Criteria: CeGaT Center For Human Genetics Tuebingen Variant Classification Criteria Version 2. Collection method: clinical testing. Allele origin: germline. Affected: yes. Observed: 1 variant allele.
Comment: APC: PVS1, PM2, PS4:Supporting

National Molecular Genetics Centre of Cancer Research, N.N. Alexandrov National Cancer Centre of Belarus
Classification: Pathogenic for Familial adenomatous polyposis 1. Review status: criteria provided, single submitter. Criteria: ACMG Guidelines, 2015. Collection method: clinical testing. Allele origin: germline. Inheritance: Autosomal dominant inheritance. Affected: yes.
Comment: This variant is considered pathogenic. PVS1 - this variant creates a frameshift predicted to result in premature protein truncation (stop codon at Ser1275 position). PP4 - patient's phenotype is highly specific for a disease with a single genetic aetiology. PM2 - variant is absent in Gnomad database.

NM_000038.6(APC):c.3806dup (p.Cys1270fs)

Gene: APC (APC regulator of Wnt signaling pathway; plus strand). Cytogenetic location: 5q22.2.
Variant type: Duplication.
Coding change: c.3806dup on transcript NM_000038.6 (MANE Select); coding-DNA position 3806, one base duplicated (T; older notation c.3806dupT).
Protein change: p.Cys1270fs; shifts the reading frame from cysteine 1270.
Molecular consequence: frameshift variant. On other transcripts: non-coding transcript variant (2).
Genome position (GRCh38, 1-based): chr5:112,839,400, T duplicated. VCF-style (leftmost placement, unchanged base first): chr5-112839399-A-AT. GRCh37 (hg19) VCF-style: chr5-112175096-A-AT.
Other names: c.3860dup, p.Cys1288fs (NM_001407449.1, NM_001354896.2, NM_001407447.1 and 1 more transcripts); c.3806dup, p.Cys1270fs (NM_001407450.1, NM_001127510.3, NM_001354895.2); c.3785dup, p.Cys1263fs (NM_001407451.1); c.3776dup, p.Cys1260fs (NM_001407452.1); c.3629dup, p.Cys1211fs (NM_001407453.1, NM_001354901.2); c.3557dup, p.Cys1187fs (NM_001407454.1, NM_001407455.1, NM_001407456.1 and 1 more transcripts); c.3752dup, p.Cys1252fs (NM_001127511.3); c.3836dup, p.Cys1280fs (NM_001354897.2); and 11 more; short protein forms C1110fs, C1141fs, C1144fs, C1169fs, C1179fs, C1187fs, C1211fs, C1229fs.
Identifiers: ClinVar variation 3385346 (VCV003385346.3).